The following is an entry in ClinVar:

ClinVar aggregate classification (germline): Uncertain significance. Review status: criteria provided, multiple submitters, no conflicts (2 of 4 stars). 2 submissions from 2 submitters: Uncertain significance (2). Last evaluated 2025-12-30.

Submissions (2):

Labcorp Genetics (formerly Invitae), Labcorp
Classification: Uncertain significance. Last evaluated: 2025-12-30. Review status: criteria provided, single submitter. Criteria: Invitae Variant Classification Sherloc (09022015). Collection method: clinical testing. Allele origin: germline.
Comment: This sequence change replaces alanine, which is neutral and non-polar, with threonine, which is neutral and polar, at codon 38 of the FBLN1 protein (p.Ala38Thr). This variant is present in population databases (rs573352225, gnomAD 0.04%). This variant has not been reported in the literature in individuals affected with FBLN1-related conditions. ClinVar contains an entry for this variant (Variation ID: 4023368). An algorithm developed to predict the effect of missense changes on protein structure and function outputs the following: PolyPhen-2: "Probably Damaging". The threonine amino acid residue is found in multiple mammalian species, which suggests that this missense change does not adversely affect protein function. In summary, the available evidence is currently insufficient to determine the role of this variant in disease. Therefore, it has been classified as a Variant of Uncertain Significance.

Ambry Genetics
Classification: Uncertain significance. Last evaluated: 2025-05-07. Review status: criteria provided, single submitter. Criteria: Ambry Variant Classification Scheme 2023. Collection method: clinical testing. Allele origin: germline.

NM_006486.3(FBLN1):c.112G>A (p.Ala38Thr)

Gene: FBLN1 (fibulin 1; plus strand). Cytogenetic location: 22q13.31.
Variant type: single nucleotide variant.
Coding change: c.112G>A on transcript NM_006486.3 (MANE Select); coding-DNA position 112, G replaced by A.
Protein change: p.Ala38Thr; replaces alanine 38 with threonine.
Molecular consequence: missense variant.
Genome position (GRCh38, 1-based): chr22:45,518,714, G>A. VCF-style: chr22-45518714-G-A. GRCh37 (hg19) VCF-style: chr22-45914594-G-A.
Other names: c.112G>A, p.Ala38Thr (NM_001996.4, NM_006485.4, NM_006487.3); short protein forms A38T.
Identifiers: ClinVar variation 4023368 (VCV004023368.2).
Genomic context (GRCh38, chr22:45,518,714, plus strand): 5'-CTCTCAGCTTGTTCTCTTCCCTGCACAGTGGACGCGGATGTCCTCCTGGAGGCCTGCTGT[G>A]CGGACGGACACCGGATGGCCACTCATCAGAAGGACTGCTCGCTGCCATATGCTACGGAAT-3'
Protein context (NP_006477.3, residues 28-48): DADVLLEACC[Ala38Thr]DGHRMATHQK